The following is an entry in ClinVar:

ClinVar aggregate classification (germline): Uncertain significance (1 of 4 stars; one submission).

gnomAD v4.1: 1 of 1,614,072 alleles (0.000062%); highest among the groups gnomAD compares: Non-Finnish European, 0.000085%; no homozygotes.

Submission:

Labcorp Genetics (formerly Invitae), Labcorp
Classification: Uncertain significance. Last evaluated: 2022-07-12. Review status: criteria provided, single submitter. Criteria: Invitae Variant Classification Sherloc (09022015). Collection method: clinical testing. Allele origin: germline.
Comment: Algorithms developed to predict the effect of missense changes on protein structure and function are either unavailable or do not agree on the potential impact of this missense change (SIFT: "Deleterious"; PolyPhen-2: "Possibly Damaging"; Align-GVGD: "Class C0"). This sequence change replaces tryptophan, which is neutral and slightly polar, with arginine, which is basic and polar, at codon 147 of the NIN protein (p.Trp147Arg). This variant is not present in population databases (gnomAD no frequency). This variant has not been reported in the literature in individuals affected with NIN-related conditions. In summary, the available evidence is currently insufficient to determine the role of this variant in disease. Therefore, it has been classified as a Variant of Uncertain Significance.

NM_020921.4(NIN):c.439T>C (p.Trp147Arg)

Gene: NIN (ninein; minus strand). Cytogenetic location: 14q22.1.
Variant type: single nucleotide variant.
Coding change: c.439T>C on transcript NM_020921.4 (MANE Select); coding-DNA position 439, T replaced by C.
Protein change: p.Trp147Arg; replaces tryptophan 147 with arginine.
Molecular consequence: missense variant.
Genome position (GRCh38, 1-based): chr14:50,778,801, A>G on the plus strand (T>C on the coding strand, the complement: NIN is on the minus strand). VCF-style: chr14-50778801-A-G. GRCh37 (hg19) VCF-style: chr14-51245519-A-G.
Other names: c.439T>C, p.Trp147Arg (NM_016350.5, NM_182944.3, NM_182946.2); short protein forms W147R.
Identifiers: ClinVar variation 2072771 (VCV002072771.4), dbSNP rs2506194400, ClinGen allele CA389672160.